The following is an entry in ClinVar:

ClinVar aggregate classification (germline): Benign/Likely benign. Review status: criteria provided, multiple submitters, no conflicts (2 of 4 stars). 4 submissions from 4 submitters: Benign (1); Likely benign (3). Last evaluated 2025-12-18.

Conditions:
Bone marrow failure syndrome 3 (BMFS3). Identifiers: MedGen C4310744, MONDO:0014887, OMIM 617052.

Allele frequency attached by ClinVar (database versions not stated): gnomAD exomes 0.00011 and 0.00021; 1000 Genomes Project 0.00020; ExAC 0.00021; TOPMed 0.00023; gnomAD 0.00026; 1000 Genomes Project 30x 0.00031.
gnomAD v4.1: 217 of 1,614,202 alleles (0.013%); highest among the groups gnomAD compares: Middle Eastern, 0.13%; no homozygotes.

Submissions (4):

Labcorp Genetics (formerly Invitae), Labcorp
Classification: Likely benign. Last evaluated: 2025-12-18. Review status: criteria provided, single submitter. Criteria: Invitae Variant Classification Sherloc (09022015). Collection method: clinical testing. Allele origin: germline.

Blueprint Genetics
Classification: Likely benign. Last evaluated: 2024-10-22. Review status: criteria provided, single submitter. Criteria: ACMG Guidelines, 2015. Collection method: clinical testing. Allele origin: germline.

ARUP Laboratories, Molecular Genetics and Genomics, ARUP Laboratories
Classification: Benign for Bone marrow failure syndrome 3. Last evaluated: 2024-02-22. Review status: criteria provided, single submitter. Criteria: ARUP Molecular Germline Variant Investigation Process 2024. Collection method: clinical testing. Allele origin: germline.

CeGaT Center for Human Genetics Tuebingen
Classification: Likely benign. Last evaluated: 2022-04-01. Review status: criteria provided, single submitter. Criteria: CeGaT Center For Human Genetics Tuebingen Variant Classification Criteria Version 2. Collection method: clinical testing. Allele origin: germline. Affected: yes. Observed: 1 variant allele.
Comment: DNAJC21: BP4, BP7

NM_001012339.3(DNAJC21):c.1038A>G (p.Lys346=)

Gene: DNAJC21 (DnaJ heat shock protein family (Hsp40) member C21; plus strand). Cytogenetic location: 5p13.2.
Variant type: single nucleotide variant.
Coding change: c.1038A>G on transcript NM_001012339.3 (MANE Select); coding-DNA position 1038, A replaced by G.
Protein change: p.Lys346=; no amino-acid change (lysine 346 retained).
Molecular consequence: synonymous variant.
Genome position (GRCh38, 1-based): chr5:34,944,921, A>G. VCF-style: chr5-34944921-A-G. GRCh37 (hg19) VCF-style: chr5-34945026-A-G.
Other names: c.1038A>G, p.Lys346= (NM_001348420.2, NM_194283.4).
Identifiers: ClinVar variation 1578246 (VCV001578246.34), dbSNP rs546802579, ClinGen allele CA3228687.